The following is an entry in ClinVar:

NM_152703.5(SAMD9L):c.3151A>G (p.Thr1051Ala)

Gene: SAMD9L (sterile alpha motif domain containing 9 like; minus strand). Cytogenetic location: 7q21.2.
Variant type: single nucleotide variant.
Coding change: c.3151A>G on transcript NM_152703.5 (MANE Select); coding-DNA position 3151, A replaced by G.
Protein change: p.Thr1051Ala; replaces threonine 1051 with alanine.
Molecular consequence: missense variant.
Genome position (GRCh38, 1-based): chr7:93,132,821, T>C on the plus strand (A>G on the coding strand, the complement: SAMD9L is on the minus strand). VCF-style: chr7-93132821-T-C. GRCh37 (hg19) VCF-style: chr7-92762134-T-C.
Other names: c.3151A>G, p.Thr1051Ala (NM_001303497.3, NM_001303498.3, NM_001303500.3 and 5 more transcripts); c.3151A>G (NM_152703.2); short protein forms T1051A.
Identifiers: ClinVar variation 1318794 (VCV001318794.3), dbSNP rs80262624, ClinGen allele CA368184530.

ClinVar aggregate classification (germline): Uncertain significance. Review status: criteria provided, multiple submitters, no conflicts (2 of 4 stars). 2 submissions from 2 submitters: Uncertain significance (2). Last evaluated 2026-01-13.

Conditions:
Inborn genetic diseases. Identifiers: MedGen C0950123, MeSH D030342.

Allele frequency attached by ClinVar (database versions not stated): gnomAD exomes below 0.00001.

Submissions (2):

Ambry Genetics
Classification: Uncertain significance for Inborn genetic diseases. Last evaluated: 2026-01-13. Review status: criteria provided, single submitter. Criteria: Ambry Variant Classification Scheme 2023. Collection method: clinical testing. Allele origin: germline.
Comment: The p.T1051A variant (also known as c.3151A>G), located in coding exon 1 of the SAMD9L gene, results from an A to G substitution at nucleotide position 3151. The threonine at codon 1051 is replaced by alanine, an amino acid with similar properties. This amino acid position is conserved. In addition, this alteration is predicted to be tolerated by in silico analysis. Based on the available evidence, the clinical significance of this variant remains unclear.

GeneDx
Classification: Uncertain significance. Last evaluated: 2021-03-31. Review status: criteria provided, single submitter. Criteria: GeneDx Variant Classification Process June 2021. Collection method: clinical testing. Allele origin: germline. Affected: yes.
Comment: Not observed in large population cohorts (Lek et al., 2016); In silico analysis supports that this missense variant does not alter protein structure/function; Has not been previously published as pathogenic or benign to our knowledge